The following is an entry in ClinVar:

ClinVar aggregate classification (germline): Likely benign. Review status: criteria provided, single submitter (1 of 4 stars). 2 submissions from 2 submitters: Likely benign (1). 1 of the submissions does not count toward it. Last evaluated 2025-06-16.

Conditions:
KSR2-related disorder. Also called: KSR2-related condition.

Allele frequency attached by ClinVar (database versions not stated): TOPMed below 0.00001; gnomAD 0.00001; gnomAD exomes 0.00001; ExAC 0.00004.
gnomAD v4.1: 16 of 1,613,800 alleles (0.00099%); highest among the groups gnomAD compares: Admixed American, 0.0033%; no homozygotes.

Submissions (2):

Labcorp Genetics (formerly Invitae), Labcorp
Classification: Likely benign. Last evaluated: 2025-06-16. Review status: criteria provided, single submitter. Criteria: Invitae Variant Classification Sherloc (09022015). Collection method: clinical testing. Allele origin: germline.

PreventionGenetics, part of Exact Sciences
Classification: Likely benign for KSR2-related condition. Last evaluated: 2021-07-20. Review status: no assertion criteria provided. Collection method: clinical testing. Allele origin: germline. Not counted in ClinVar's aggregate classification.
Comment: This variant is classified as likely benign based on ACMG/AMP sequence variant interpretation guidelines (Richards et al. 2015 PMID: 25741868, with internal and published modifications).

NM_173598.6(KSR2):c.333C>T (p.Pro111=)

Gene: KSR2 (kinase suppressor of ras 2; minus strand). Cytogenetic location: 12q24.23.
Variant type: single nucleotide variant.
Coding change: c.333C>T on transcript NM_173598.6 (MANE Select); coding-DNA position 333, C replaced by T.
Protein change: p.Pro111=; no amino-acid change (proline 111 retained).
Molecular consequence: synonymous variant.
Genome position (GRCh38, 1-based): chr12:117,855,567, G>A on the plus strand (C>T on the coding strand, the complement: KSR2 is on the minus strand). VCF-style: chr12-117855567-G-A. GRCh37 (hg19) VCF-style: chr12-118293372-G-A.
Identifiers: ClinVar variation 3054457 (VCV003054457.3), dbSNP rs768383231, ClinGen allele CA6816364.